The following is an entry in ClinVar:

ClinVar aggregate classification (germline): Uncertain significance (1 of 4 stars; one submission).

Submission:

Labcorp Genetics (formerly Invitae), Labcorp
Classification: Uncertain significance. Last evaluated: 2019-10-15. Review status: criteria provided, single submitter. Criteria: Invitae Variant Classification Sherloc (09022015). Collection method: clinical testing. Allele origin: germline.
Comment: This variant results in a copy number gain of the genomic region encompassing exons 3-5 of the LCA5 gene, which includes the initiator codon. The 5' end of this event is unknown as it extends beyond the assayed region for this gene and therefore may encompass additional genes. The 3' boundary is likely confined to intron 5 of the LCA5 gene. As the precise location of this event is unknown, it may be in tandem or it may be located elsewhere in the genome. This variant has not been reported in the literature in individuals with LCA5-related conditions. In summary, the available evidence is currently insufficient to determine the role of this variant in disease. Therefore, it has been classified as a Variant of Uncertain Significance.

NC_000006.12:g.(?_79493613)_(79518894_?)dup

Gene: LCA5 (lebercilin LCA5; minus strand). Cytogenetic location: 6q14.1.
Variant type: Duplication.
Identifiers: ClinVar variation 831975 (VCV000831975.4).